The following is an entry in ClinVar:

ClinVar aggregate classification (germline): Pathogenic (1 of 4 stars; one submission).

Conditions:
Cardiovascular phenotype. Identifiers: MedGen CN230736.

Submission:

Ambry Genetics
Classification: Pathogenic for Cardiovascular phenotype. Last evaluated: 2022-11-28. Review status: criteria provided, single submitter. Criteria: Ambry Variant Classification Scheme 2023. Collection method: clinical testing. Allele origin: germline.
Comment: The p.Q1014* pathogenic mutation (also known as c.3040C>T), located in coding exon 6 of the ALPK3 gene, results from a C to T substitution at nucleotide position 3040. This changes the amino acid from a glutamine to a stop codon within coding exon 6. This variant is considered to be rare based on population cohorts in the Genome Aggregation Database (gnomAD). This alteration is expected to result in loss of function by premature protein truncation or nonsense-mediated mRNA decay. As such, this alteration is interpreted as a disease-causing mutation.

NM_020778.5(ALPK3):c.2434C>T (p.Gln812Ter)

Gene: ALPK3 (alpha kinase 3; plus strand). Cytogenetic location: 15q25.3.
Variant type: single nucleotide variant.
Coding change: c.2434C>T on transcript NM_020778.5 (MANE Select); coding-DNA position 2434, C replaced by T.
Protein change: p.Gln812Ter; replaces glutamine 812 with a stop codon.
Molecular consequence: nonsense.
Genome position (GRCh38, 1-based): chr15:84,857,172, C>T. VCF-style: chr15-84857172-C-T. GRCh37 (hg19) VCF-style: chr15-85400403-C-T.
Other names: short protein forms Q812*.
Identifiers: ClinVar variation 2449086 (VCV002449086.2), dbSNP rs2505720215, ClinGen allele CA393357138.
Genomic context (GRCh38, chr15:84,857,172, plus strand): 5'-GGTCCCCTGTCAGGGAACCTCATGCTCCCAGCACAGCCGCCCCATGAGGGGAGTGTGGAG[C>T]AGGTGGGAGGAGAGAGATGCCGAGGGCCACAGTCATCAGGCCCAGTCGAGGCCAAGCAGG-3'